The following is an entry in ClinVar:

NM_016614.3(TDP2):c.90G>T (p.Val30=)

Genes: TDP2 (tyrosyl-DNA phosphodiesterase 2; minus strand), LOC113174982 (Sharpr-MPRA regulatory region 5933; plus strand). Cytogenetic location: 6p22.3.
Variant type: single nucleotide variant.
Coding change: c.90G>T on transcript NM_016614.3 (MANE Select); coding-DNA position 90, G replaced by T.
Protein change: p.Val30=; no amino-acid change (valine 30 retained).
Molecular consequence: synonymous variant.
Genome position (GRCh38, 1-based): chr6:24,666,773, C>A on the plus strand (G>T on the coding strand, the complement: TDP2 is on the minus strand). VCF-style: chr6-24666773-C-A. GRCh37 (hg19) VCF-style: chr6-24667001-C-A.
Identifiers: ClinVar variation 4280837 (VCV004280837.7).

ClinVar aggregate classification (germline): Likely benign (1 of 4 stars; one submission).

gnomAD v4.1: 175 of 1,614,134 alleles (0.011%); highest among the groups gnomAD compares: Non-Finnish European, 0.0095%; no homozygotes.

Submission:

CeGaT Center for Human Genetics Tuebingen
Classification: Likely benign. Last evaluated: 2025-09-01. Review status: criteria provided, single submitter. Criteria: CeGaT Center For Human Genetics Tuebingen Variant Classification Criteria Version 2. Collection method: clinical testing. Allele origin: germline. Affected: yes. Observed: 1 variant allele.
Comment: TDP2: BP4, BP7